The following is an entry in ClinVar:

ClinVar aggregate classification (germline): Uncertain significance (1 of 4 stars; one submission).

Submission:

Labcorp Genetics (formerly Invitae), Labcorp
Classification: Uncertain significance. Last evaluated: 2026-01-06. Review status: criteria provided, single submitter. Criteria: Invitae Variant Classification Sherloc (09022015). Collection method: clinical testing. Allele origin: germline.
Comment: This sequence change replaces tyrosine, which is neutral and polar, with histidine, which is basic and polar, at codon 567 of the RFWD3 protein (p.Tyr567His). This variant is not present in population databases (gnomAD no frequency). This variant has not been reported in the literature in individuals affected with RFWD3-related conditions. ClinVar contains an entry for this variant (Variation ID: 2719169). An algorithm developed to predict the effect of missense changes on protein structure and function (PolyPhen-2) suggests that this variant is likely to be disruptive. In summary, the available evidence is currently insufficient to determine the role of this variant in disease. Therefore, it has been classified as a Variant of Uncertain Significance.

NM_018124.4(RFWD3):c.1699T>C (p.Tyr567His)

Gene: RFWD3 (ring finger and WD repeat domain 3; minus strand). Cytogenetic location: 16q23.1.
Variant type: single nucleotide variant.
Coding change: c.1699T>C on transcript NM_018124.4 (MANE Select); coding-DNA position 1699, T replaced by C.
Protein change: p.Tyr567His; replaces tyrosine 567 with histidine.
Molecular consequence: missense variant. On other transcripts: intron variant (1).
Genome position (GRCh38, 1-based): chr16:74,630,836, A>G on the plus strand (T>C on the coding strand, the complement: RFWD3 is on the minus strand). VCF-style: chr16-74630836-A-G. GRCh37 (hg19) VCF-style: chr16-74664734-A-G.
Other names: c.1699T>C, p.Tyr567His (NM_001370534.1, NM_001370535.1); c.865T>C, p.Tyr289His (NM_001370537.1, NM_001370539.1, NM_001370540.1 and 3 more transcripts); c.1577+1687T>C (NM_001370536.1); short protein forms Y289H, Y567H.
Identifiers: ClinVar variation 2719169 (VCV002719169.3), dbSNP rs2543949026, ClinGen allele CA396760229.
Genomic context (GRCh38, chr16:74,630,836, plus strand): 5'-CCTACCTGGCTTTCTGAGCTACTAACTCCTGCACATGACTGCTCGTGTTTCGCACGTCAT[A>G]TACCAGAATTGAACCATTGGCCAGTCCAGCATAGATGTAGTTAGCCTCATCAAGACACCA-3'
Protein context (NP_060594.3, residues 557-577): AGLANGSILV[Tyr567His]DVRNTSSHVQ